The following is an entry in ClinVar:

NM_198859.4(PRICKLE2):c.144+3A>G

Genes: PRICKLE2-AS3 (PRICKLE2 antisense RNA 3; plus strand), PRICKLE2 (prickle planar cell polarity protein 2; minus strand). Cytogenetic location: 3p14.1.
Variant type: single nucleotide variant.
Coding change: c.144+3A>G on transcript NM_198859.4 (MANE Select); 3 bases into the intron after coding-DNA position 144, A replaced by G.
Molecular consequence: intron variant. On other transcripts: non-coding transcript variant (1).
Genome position (GRCh38, 1-based): chr3:64,198,781, T>C on the plus strand (A>G on the coding strand, the complement: PRICKLE2 is on the minus strand). VCF-style: chr3-64198781-T-C. GRCh37 (hg19) VCF-style: chr3-64184457-T-C.
Other names: c.144+3A>G (NM_001370528.1).
Identifiers: ClinVar variation 1413578 (VCV001413578.6), dbSNP rs746978790, ClinGen allele CA2479923.
Genomic context (GRCh38, chr3:64,198,781, plus strand): 5'-GAAGGACCAGTAAGGCAAAGTGAAACACCCAAACCACCAGCATGCTCCCATCCAGAATGG[T>C]ACCTGTTCAGGCTTCAGACCCGGCGGGACCCAGGCATACTCTTCCAAAGCACAGCCTGAG-3'

ClinVar aggregate classification (germline): Uncertain significance (1 of 4 stars; one submission).

Conditions:
Progressive myoclonic epilepsy type 5. Identifiers: Orphanet 402082, MedGen C5190799.

Allele frequency attached by ClinVar (database versions not stated): ExAC 0.00001; gnomAD 0.00001; gnomAD exomes 0.00001.
gnomAD v4.1: 15 of 1,613,848 alleles (0.00093%); highest among the groups gnomAD compares: African/African-American, 0.019%; no homozygotes.

Submission:

Labcorp Genetics (formerly Invitae), Labcorp
Classification: Uncertain significance for Progressive myoclonic epilepsy type 5. Last evaluated: 2022-09-01. Review status: criteria provided, single submitter. Criteria: Invitae Variant Classification Sherloc (09022015). Collection method: clinical testing. Allele origin: germline.
Comment: This variant is present in population databases (rs746978790, gnomAD 0.02%). This sequence change falls in intron 2 of the PRICKLE2 gene. It does not directly change the encoded amino acid sequence of the PRICKLE2 protein. It affects a nucleotide within the consensus splice site. This variant has not been reported in the literature in individuals affected with PRICKLE2-related conditions. ClinVar contains an entry for this variant (Variation ID: 1413578). Variants that disrupt the consensus splice site are a relatively common cause of aberrant splicing (PMID: 17576681, 9536098). Algorithms developed to predict the effect of sequence changes on RNA splicing suggest that this variant is not likely to affect RNA splicing. In summary, the available evidence is currently insufficient to determine the role of this variant in disease. Therefore, it has been classified as a Variant of Uncertain Significance.

Literature cited by the submitters: PubMed 17576681; PubMed 9536098.